The following is an entry in ClinVar:

NM_000368.5(TSC1):c.2172C>T (p.Ile724=)

Gene: TSC1 (TSC complex subunit 1; minus strand). Cytogenetic location: 9q34.13.
Variant type: single nucleotide variant.
Coding change: c.2172C>T on transcript NM_000368.5 (MANE Select); coding-DNA position 2172, C replaced by T.
Protein change: p.Ile724=; no amino-acid change (isoleucine 724 retained).
Molecular consequence: synonymous variant. On other transcripts: non-coding transcript variant (4).
Genome position (GRCh38, 1-based): chr9:132,903,687, G>A on the plus strand (C>T on the coding strand, the complement: TSC1 is on the minus strand). VCF-style: chr9-132903687-G-A. GRCh37 (hg19) VCF-style: chr9-135779074-G-A.
Other names: c.2169C>T, p.Ile723= (NM_001162426.2, NM_001406597.1, NM_001406598.1 and 4 more transcripts); c.2019C>T, p.Ile673= (NM_001162427.2, NM_001406610.1); c.1809C>T, p.Ile603= (NM_001362177.2, NM_001406614.1, NM_001406615.1 and 5 more transcripts); c.2172C>T, p.Ile724= (NM_001406592.1, NM_001406593.1, NM_001406594.1 and 5 more transcripts); c.2157C>T, p.Ile719= (NM_001406601.1, NM_001406602.1); c.2154C>T, p.Ile718= (NM_001406603.1, NM_001406604.1); c.2016C>T, p.Ile672= (NM_001406611.1, NM_001406612.1, NM_001406613.1); c.1806C>T, p.Ile602= (NM_001406620.1, NM_001406621.1, NM_001406622.1 and 2 more transcripts); and 3 more.
Identifiers: ClinVar variation 2447887 (VCV002447887.4), dbSNP rs1845495899, ClinGen allele CA467590674.

ClinVar aggregate classification (germline): Conflicting classifications of pathogenicity. Review status: criteria provided, conflicting classifications (1 of 4 stars). 2 submissions from 2 submitters: Uncertain significance (1); Likely benign (1). Last evaluated 2024-11-05.

Conditions:
Hereditary cancer-predisposing syndrome. Also called: Hereditary neoplastic syndrome; Tumor predisposition; Neoplastic Syndromes, Hereditary; Hereditary Cancer Syndrome. Identifiers: Orphanet 140162, MedGen C0027672, MeSH D009386, MONDO:0015356.
Tuberous sclerosis 1 (TSC1). Identifiers: Orphanet 805, MedGen C1854465, MONDO:0008612, OMIM 191100.

Submissions (2):

Labcorp Genetics (formerly Invitae), Labcorp
Classification: Uncertain significance for Tuberous sclerosis 1. Last evaluated: 2024-11-05. Review status: criteria provided, single submitter. Criteria: Invitae Variant Classification Sherloc (09022015). Collection method: clinical testing. Allele origin: germline.
Comment: This sequence change affects codon 724 of the TSC1 mRNA. It is a 'silent' change, meaning that it does not change the encoded amino acid sequence of the TSC1 protein. This variant is not present in population databases (gnomAD no frequency). This variant has not been reported in the literature in individuals affected with TSC1-related conditions. ClinVar contains an entry for this variant (Variation ID: 2447887). Algorithms developed to predict the effect of sequence changes on RNA splicing suggest that this variant may create or strengthen a splice site. In summary, the available evidence is currently insufficient to determine the role of this variant in disease. Therefore, it has been classified as a Variant of Uncertain Significance.

Ambry Genetics
Classification: Likely benign for Hereditary cancer-predisposing syndrome. Last evaluated: 2023-02-13. Review status: criteria provided, single submitter. Criteria: Ambry Variant Classification Scheme 2023. Collection method: clinical testing. Allele origin: germline.